The following is an entry in ClinVar:

NM_001267550.2(TTN):c.76655G>A (p.Arg25552Gln)

Genes: TTN (titin; minus strand), TTN-AS1 (TTN antisense RNA 1; plus strand). Cytogenetic location: 2q31.2.
Variant type: single nucleotide variant.
Coding change: c.76655G>A on transcript NM_001267550.2 (MANE Select); coding-DNA position 76655, G replaced by A.
Protein change: p.Arg25552Gln; replaces arginine 25552 with glutamine.
Molecular consequence: missense variant.
Genome position (GRCh38, 1-based): chr2:178,569,477, C>T on the plus strand (G>A on the coding strand, the complement: TTN is on the minus strand). VCF-style: chr2-178569477-C-T. GRCh37 (hg19) VCF-style: chr2-179434204-C-T.
Other names: c.71732G>A, p.Arg23911Gln (NM_001256850.1); c.49460G>A, p.Arg16487Gln (NM_003319.4); c.68951G>A, p.Arg22984Gln (NM_133378.4); c.49835G>A, p.Arg16612Gln (NM_133432.3); c.50036G>A, p.Arg16679Gln (NM_133437.4); short protein forms R16487Q, R16612Q, R16679Q, R22984Q, R23911Q, R25552Q.
Identifiers: ClinVar variation 2651606 (VCV002651606.24), dbSNP rs779399871, ClinGen allele CA1989876.
Genomic context (GRCh38, chr2:178,569,477, plus strand): 5'-TTGACATTGTCAAGAACAAGAGAGGTGAAACTGCTAGTGACATCAATTATAGCTGCATCT[C>T]GGATTTCACCATCCACCTTTCCCCATTTAACTTCTGGTGTAGGACGACCTTTTATAGGAA-3'
Protein context (NP_001254479.2, residues 25542-25562): VKWGKVDGEI[Arg25552Gln]DAAIIDVTSS

ClinVar aggregate classification (germline): Uncertain significance (1 of 4 stars; one submission).

Allele frequency attached by ClinVar (database versions not stated): gnomAD exomes 0.00001; TOPMed 0.00001; ExAC 0.00002.
gnomAD v4.1: 18 of 1,612,676 alleles (0.0011%); highest among the groups gnomAD compares: South Asian, 0.011%; no homozygotes.

Submission:

CeGaT Center for Human Genetics Tuebingen
Classification: Uncertain significance. Last evaluated: 2023-06-01. Review status: criteria provided, single submitter. Criteria: CeGaT Center For Human Genetics Tuebingen Variant Classification Criteria Version 2. Collection method: clinical testing. Allele origin: germline. Affected: yes. Observed: 1 variant allele.
Comment: TTN: PM2, BP4